The following is an entry in ClinVar:

NM_002878.4(RAD51D):c.81del (p.Val28fs)

Genes: RAD51D (RAD51 paralog D; minus strand), RAD51L3-RFFL (RAD51L3-RFFL readthrough; minus strand). Cytogenetic location: 17q12.
Variant type: Deletion.
Coding change: c.81del on transcript NM_002878.4 (MANE Select); coding-DNA position 81, one base deleted (A; older notation c.81delA).
Protein change: p.Val28fs; shifts the reading frame from valine 28.
Molecular consequence: frameshift variant. On other transcripts: non-coding transcript variant (2).
Genome position (GRCh38, 1-based): chr17:35,119,533, T deleted on the plus strand (A on the coding strand, the reverse complement: RAD51D is on the minus strand). VCF-style (leftmost placement, unchanged base first): chr17-35119532-CT-C. GRCh37 (hg19) VCF-style: chr17-33446551-CT-C.
Other names: c.81delA (NM_002878.3, NM_002878.4); c.81del, p.Val28fs (NM_001142571.2, NM_133629.3); short protein forms V28fs.
Identifiers: ClinVar variation 419558 (VCV000419558.25), dbSNP rs1064793952, ClinGen allele CA16620392.

ClinVar aggregate classification (germline): Pathogenic. Review status: criteria provided, multiple submitters, no conflicts (2 of 4 stars). 9 submissions from 9 submitters: Pathogenic (8). 1 of the submissions does not count toward it. Last evaluated 2026-02-23.

Conditions:
Breast-ovarian cancer, familial, susceptibility to, 4. Identifiers: Orphanet 145, MedGen C3280345, MONDO:0013669, OMIM 614291.
Hereditary cancer-predisposing syndrome. Also called: Tumor predisposition; Hereditary neoplastic syndrome; Neoplastic Syndromes, Hereditary; Hereditary Cancer Syndrome. Identifiers: Orphanet 140162, MedGen C0027672, MeSH D009386, MONDO:0015356.
Hereditary breast ovarian cancer syndrome. Also called: Hereditary breast and ovarian cancer; Breast and ovarian cancer; BRCA1- and BRCA2-Associated Hereditary Breast and Ovarian Cancer; Hereditary breast and ovarian cancer syndrome; Hereditary breast and/or ovarian cancer syndrome; Hereditary breast and ovarian cancer syndrome (HBOC). Identifiers: Orphanet 145, MedGen C0677776, MeSH D061325, MONDO:0003582. Disease mechanism: loss of function.

Allele frequency attached by ClinVar (database versions not stated): gnomAD exomes below 0.00001; TOPMed 0.00001; ESP Exome Variant Server 0.00008.

Submissions (9):

Women's Health and Genetics/Laboratory Corporation of America, LabCorp
Classification: Pathogenic for Hereditary breast ovarian cancer syndrome. Last evaluated: 2026-02-23. Review status: criteria provided, single submitter. Criteria: LabCorp Variant Classification Summary - May 2015. Collection method: clinical testing. Allele origin: germline.
Comment: Variant summary: RAD51D c.81delA (p.Val28TrpfsX12) results in a premature termination codon, predicted to cause a truncation of the encoded protein or absence of the protein due to nonsense mediated decay, which are commonly known mechanisms for disease. The variant was absent in 246624 control chromosomes. c.81delA has been observed in individual(s) affected with ovarian cancer (e.g.Norquist_2016). To our knowledge, no experimental evidence demonstrating an impact on protein function has been reported. The following publication has been ascertained in the context of this evaluation (PMID: 26720728). ClinVar contains an entry for this variant (Variation ID: 419558). Based on the evidence outlined above, the variant was classified as pathogenic.

Labcorp Genetics (formerly Invitae), Labcorp
Classification: Pathogenic for Breast-ovarian cancer, familial, susceptibility to, 4. Last evaluated: 2025-12-24. Review status: criteria provided, single submitter. Criteria: Invitae Variant Classification Sherloc (09022015). Collection method: clinical testing. Allele origin: germline.
Comment: This sequence change creates a premature translational stop signal (p.Val28Trpfs*12) in the RAD51D gene. RNA analysis indicates that this premature translational stop signal induces altered splicing and is likely to result in the loss of the initiator methionine. This variant is not present in population databases (gnomAD no frequency). This premature translational stop signal has been observed in individual(s) with ovarian cancer (PMID: 26720728). ClinVar contains an entry for this variant (Variation ID: 419558). Studies have shown that this premature translational stop signal results in skipping of exon 1, and is expected to result in the loss of the initiator methionine (internal data). For these reasons, this variant has been classified as Pathogenic.

Ambry Genetics
Classification: Pathogenic for Hereditary cancer-predisposing syndrome. Last evaluated: 2024-08-05. Review status: criteria provided, single submitter. Criteria: Ambry Variant Classification Scheme 2023. Collection method: clinical testing. Allele origin: germline.
Comment: The c.81delA pathogenic mutation, located in coding exon 1 of the RAD51D gene, results from a deletion of one nucleotide at nucleotide position 81, causing a translational frameshift with a predicted alternate stop codon (p.V28Wfs*12). This alteration was identified in an ovarian cancer patient (Norquist BM et al. JAMA Oncol. 2016 Apr;2(4):482-90). This variant is considered to be rare based on population cohorts in the Genome Aggregation Database (gnomAD). In addition to the clinical data presented in the literature, this alteration is expected to result in loss of function by premature protein truncation or nonsense-mediated mRNA decay. As such, this alteration is interpreted as a disease-causing mutation.

GeneDx
Classification: Pathogenic. Last evaluated: 2024-07-17. Review status: criteria provided, single submitter. Criteria: GeneDx Variant Classification Process June 2021. Collection method: clinical testing. Allele origin: germline. Affected: yes.
Comment: Frameshift variant predicted to result in protein truncation or nonsense mediated decay in a gene for which loss of function is a known mechanism of disease; Not observed at significant frequency in large population cohorts (gnomAD); This variant is associated with the following publications: (PMID: 26720728, 31589614, 31948886, 31575519)

Quest Diagnostics Nichols Institute San Juan Capistrano
Classification: Pathogenic. Last evaluated: 2023-05-09. Review status: criteria provided, single submitter. Criteria: Quest Diagnostics criteria. Collection method: clinical testing. Allele origin: unknown.
Comment: This variant alters the translational reading frame of the RAD51D mRNA and causes the premature termination of RAD51D protein synthesis. In the published literature, this variant has been reported in individuals affected with ovarian cancer (PMID: 26720728 (2016)) or prostate cancer (PMID: 31948886 (2020)). This variant has not been reported in large, multi-ethnic general populations (Genome Aggregation Database). Based on the available information, this variant is classified as pathogenic.

Myriad Genetics, Inc.
Classification: Pathogenic for Breast-ovarian cancer, familial, susceptibility to, 4. Last evaluated: 2023-04-06. Review status: criteria provided, single submitter. Criteria: Myriad Autosomal Dominant, Autosomal Recessive and X-Linked Classification Criteria (2023). Collection method: clinical testing. Allele origin: unknown.
Comment: This variant is considered pathogenic. This variant creates a frameshift predicted to result in premature protein truncation.

Color Diagnostics, LLC DBA Color Health
Classification: Pathogenic for Hereditary cancer-predisposing syndrome. Last evaluated: 2023-01-23. Review status: criteria provided, single submitter. Criteria: ACMG Guidelines, 2015. Collection method: clinical testing. Allele origin: germline.
Comment: This variant deletes 1 nucleotide in exon 1 of the RAD51D gene, creating a frameshift and premature translation stop signal. This variant is expected to result in an absent or non-functional protein product. This variant has been reported in an individual affected with ovarian cancer (PMID: 26720728) and in an individual affected with breast cancer (PMID: 31575519). This variant has not been identified in the general population by the Genome Aggregation Database (gnomAD). Loss of RAD51D function is a known mechanism of disease. Based on the available evidence, this variant is classified as Pathogenic.

Baylor Genetics
Classification: Pathogenic for Breast-ovarian cancer, familial, susceptibility to, 4. Last evaluated: 2021-04-06. Review status: criteria provided, single submitter. Criteria: ACMG Guidelines, 2015. Collection method: clinical testing. Allele origin: unknown.

Counsyl
Classification: Likely pathogenic for Breast-ovarian cancer, familial, susceptibility to, 4. Last evaluated: 2017-11-10. Review status: no assertion criteria provided. Collection method: clinical testing. Allele origin: unknown. Not counted in ClinVar's aggregate classification.

Literature cited by the submitters: PubMed 26720728 (cited by 6 submitters); PubMed 31589614 (cited by Quest Diagnostics Nichols Institute San Juan Capistrano); PubMed 31948886 (cited by Quest Diagnostics Nichols Institute San Juan Capistrano); PubMed 31575519 (cited by Color Diagnostics, LLC DBA Color Health).